The following is an entry in ClinVar:

NC_000016.9:g.(68772315_68835572)_(68869441_?)dup

Gene: CDH1 (cadherin 1; plus strand). Cytogenetic location: 16q22.1.
Variant type: Duplication.
Identifiers: ClinVar variation 3907197 (VCV003907197.1).

ClinVar aggregate classification (germline): Uncertain significance (1 of 4 stars; one submission).

Submission:

Women's Health and Genetics/Laboratory Corporation of America, LabCorp
Classification: Uncertain significance. Last evaluated: 2025-06-11. Review status: criteria provided, single submitter. Criteria: LabCorp Variant Classification Summary - May 2015. Collection method: clinical testing. Allele origin: germline.
Comment: Variant summary: The variant involves the duplication of exons 3-16 in the CDH1 gene. A presumed nomenclature of c.(163+1_164-1)_(*2039_?)dup has been designated for the purposes of this classification. It is assumed to be a tandem duplication in direct orientation (PMIDs: 25640679, 30054569). The exact breakpoint at the 3' end of this variant is unknown, therefore this duplication may extend downstream of the annotated region of the gene. As it duplicates the termination codon, its effect on the encoded protein is unknown. A structural variant involving the duplication of exons 3-16 in the CDH1 gene was found at a frequency of 1.7e-05 in 120780 control chromosomes in the gnomAD database (Structural Variants v4.1 dataset). The available data on variant occurrences in the general population are insufficient to allow any conclusion about variant significance. Similar large duplication variants (i.e. duplications of exons 3-16) have been observed in individuals affected with Breast Cancer (e.g. Richardson_2019, Kwong_2024). In one of these reported cases a co-occurring pathogenic variant in BRCA1 was also present, and the patient had a positive family history for bilateral breast cancer suggesting an additive effect, however no genotype information was provided for the affected family members (Kwong_2024). These reports do not provide unequivocal conclusions about association of the variant with Hereditary Diffuse Gastric Cancer. To our knowledge, no experimental evidence demonstrating an impact on protein function has been reported. The following publications have been ascertained in the context of this evaluation (PMID: 30054569, 39061189). ClinVar contains an entry for this variant (Variation ID: 1011073). Based on the evidence outlined above, the variant was classified as uncertain significance.

Literature cited by the submitters: PubMed 30054569; PubMed 39061189.